The following is an entry in ClinVar:

ClinVar aggregate classification (germline): Uncertain significance (1 of 4 stars; one submission).

Submission:

Labcorp Genetics (formerly Invitae), Labcorp
Classification: Uncertain significance. Last evaluated: 2022-07-19. Review status: criteria provided, single submitter. Criteria: Invitae Variant Classification Sherloc (09022015). Collection method: clinical testing. Allele origin: germline.
Comment: In summary, the available evidence is currently insufficient to determine the role of this variant in disease. Therefore, it has been classified as a Variant of Uncertain Significance. Variants that disrupt the consensus splice site are a relatively common cause of aberrant splicing (PMID: 17576681, 9536098). Algorithms developed to predict the effect of sequence changes on RNA splicing suggest that this variant may disrupt the consensus splice site. ClinVar contains an entry for this variant (Variation ID: 1498492). This variant has not been reported in the literature in individuals affected with COL11A1-related conditions. This variant is not present in population databases (gnomAD no frequency). This sequence change falls in intron 8 of the COL11A1 gene. It does not directly change the encoded amino acid sequence of the COL11A1 protein. It affects a nucleotide within the consensus splice site.

Literature cited by the submitters: PubMed 17576681; PubMed 9536098.

NM_001854.4(COL11A1):c.1245+3A>C

Gene: COL11A1 (collagen type XI alpha 1 chain; minus strand). Cytogenetic location: 1p21.1.
Variant type: single nucleotide variant.
Coding change: c.1245+3A>C on transcript NM_001854.4 (MANE Select); 3 bases into the intron after coding-DNA position 1245, A replaced by C.
Molecular consequence: intron variant.
Genome position (GRCh38, 1-based): chr1:103,022,739, T>G on the plus strand (A>C on the coding strand, the complement: COL11A1 is on the minus strand). VCF-style: chr1-103022739-T-G. GRCh37 (hg19) VCF-style: chr1-103488295-T-G.
Other names: c.1128+3A>C (NM_001190709.2); c.1281+3A>C (NM_080629.3); c.898-970A>C (NM_080630.4).
Identifiers: ClinVar variation 1498492 (VCV001498492.6), dbSNP rs1295102743, ClinGen allele CA2573130894.
Genomic context (GRCh38, chr1:103,022,739, plus strand): 5'-CATGGACATAAAAATATCCCATAAATAAGACATACAATGACACAGTGCATAGTATCAACT[T>G]ACGCTTGTTTCTGTAATATCAGTTTCTGCTGGTACACCTGGACCAAATTCTTCATTAGGG-3'